The following is an entry in ClinVar:

ClinVar aggregate classification (germline): Uncertain significance (1 of 4 stars; one submission).

Conditions:
Intellectual disability, autosomal dominant 14 (CSS2). Also called: COFFIN-SIRIS SYNDROME 2. Identifiers: Orphanet 1465, MedGen C3553247, MONDO:0013819, OMIM 614607.

Submission:

MGZ Medical Genetics Center
Classification: Uncertain significance for Intellectual disability, autosomal dominant 14. Last evaluated: 2022-04-28. Review status: criteria provided, single submitter. Criteria: ACMG Guidelines, 2015. Collection method: clinical testing. Allele origin: germline. Affected: yes. Observed: 1 variant allele.
Comment: ACMG criteria applied: PM2_SUP, PP2, PP3

NM_006015.6(ARID1A):c.3217T>C (p.Trp1073Arg)

Gene: ARID1A (AT-rich interaction domain 1A; plus strand). Cytogenetic location: 1p36.11.
Variant type: single nucleotide variant.
Coding change: c.3217T>C on transcript NM_006015.6 (MANE Select); coding-DNA position 3217, T replaced by C.
Protein change: p.Trp1073Arg; replaces tryptophan 1073 with arginine.
Molecular consequence: missense variant.
Genome position (GRCh38, 1-based): chr1:26,771,137, T>C. VCF-style: chr1-26771137-T-C. GRCh37 (hg19) VCF-style: chr1-27097628-T-C.
Other names: c.3217T>C, p.Trp1073Arg (NM_139135.4); short protein forms W1073R.
Identifiers: ClinVar variation 1709331 (VCV001709331.2), dbSNP rs2124096818, ClinGen allele CA339164518.